The following is an entry in ClinVar:

NM_002087.4(GRN):c.1010A>G (p.Gln337Arg)

Gene: GRN (granulin precursor; plus strand). Cytogenetic location: 17q21.31.
Variant type: single nucleotide variant.
Coding change: c.1010A>G on transcript NM_002087.4 (MANE Select); coding-DNA position 1010, A replaced by G.
Protein change: p.Gln337Arg; replaces glutamine 337 with arginine.
Molecular consequence: missense variant.
Genome position (GRCh38, 1-based): chr17:44,351,626, A>G. VCF-style: chr17-44351626-A-G. GRCh37 (hg19) VCF-style: chr17-42428994-A-G.
Other names: short protein forms Q337R.
Identifiers: ClinVar variation 3754432 (VCV003754432.2).

ClinVar aggregate classification (germline): Uncertain significance (1 of 4 stars; one submission).

Conditions:
Neuronal ceroid lipofuscinosis 11. Also called: GRN-Related Neuronal Ceroid-Lipofuscinosis. Identifiers: Orphanet 314629, Orphanet 79262, MedGen C3539123, MONDO:0013866, OMIM 614706.
GRN-related frontotemporal lobar degeneration with Tdp43 inclusions (FTD2). Also called: DEMENTIA, HEREDITARY DYSPHASIC DISINHIBITION; FRONTOTEMPORAL LOBAR DEGENERATION WITH UBIQUITIN-POSITIVE INCLUSIONS; FTLD-TDP, GRN-RELATED; GRN Frontotemporal Dementia; FRONTOTEMPORAL DEMENTIA WITH TDP43 INCLUSIONS, GRN-RELATED. Identifiers: Orphanet 100070, Orphanet 282, MedGen C1843792, MONDO:0011842, OMIM 607485. Disease mechanism: loss of function.

Submission:

Labcorp Genetics (formerly Invitae), Labcorp
Classification: Uncertain significance for Neuronal ceroid lipofuscinosis 11; GRN-related frontotemporal lobar degeneration with Tdp43 inclusions. Last evaluated: 2025-02-02. Review status: criteria provided, single submitter. Criteria: Invitae Variant Classification Sherloc (09022015). Collection method: clinical testing. Allele origin: germline.
Comment: This sequence change replaces glutamine, which is neutral and polar, with arginine, which is basic and polar, at codon 337 of the GRN protein (p.Gln337Arg). This variant is not present in population databases (gnomAD no frequency). This variant has not been reported in the literature in individuals affected with GRN-related conditions. Invitae Evidence Modeling of protein sequence and biophysical properties (such as structural, functional, and spatial information, amino acid conservation, physicochemical variation, residue mobility, and thermodynamic stability) indicates that this missense variant is not expected to disrupt GRN protein function with a negative predictive value of 80%. In summary, the available evidence is currently insufficient to determine the role of this variant in disease. Therefore, it has been classified as a Variant of Uncertain Significance.